The following is an entry in ClinVar:

NM_001040142.2(SCN2A):c.3479A>G (p.Glu1160Gly)

Gene: SCN2A (sodium voltage-gated channel alpha subunit 2; plus strand). Cytogenetic location: 2q24.3.
Variant type: single nucleotide variant.
Coding change: c.3479A>G on transcript NM_001040142.2 (MANE Select); coding-DNA position 3479, A replaced by G.
Protein change: p.Glu1160Gly; replaces glutamic acid 1160 with glycine.
Molecular consequence: missense variant.
Genome position (GRCh38, 1-based): chr2:165,365,222, A>G. VCF-style: chr2-165365222-A-G. GRCh37 (hg19) VCF-style: chr2-166221732-A-G.
Other names: c.3479A>G, p.Glu1160Gly (NM_001040143.2, NM_001371246.1, NM_001371247.1 and 1 more transcripts); short protein forms E1160G.
Identifiers: ClinVar variation 1002474 (VCV001002474.11), dbSNP rs1700660923, ClinGen allele CA349024820.

ClinVar aggregate classification (germline): Uncertain significance (1 of 4 stars; one submission).

Conditions:
Developmental and epileptic encephalopathy, 11 (DEE11). Also called: Early infantile epileptic encephalopathy 11. Identifiers: Orphanet 1934, MedGen C3150987, MONDO:0013388, OMIM 613721.
Seizures, benign familial infantile, 3 (BFIS3). Also called: Familial neonatal seizures; CONVULSIONS, BENIGN FAMILIAL INFANTILE, 3. Identifiers: Orphanet 140927, Orphanet 306, MedGen C1843140, MONDO:0011904, OMIM 607745.

Submission:

Labcorp Genetics (formerly Invitae), Labcorp
Classification: Uncertain significance for Seizures, benign familial infantile, 3; Developmental and epileptic encephalopathy, 11. Last evaluated: 2020-03-11. Review status: criteria provided, single submitter. Criteria: Invitae Variant Classification Sherloc (09022015). Collection method: clinical testing. Allele origin: germline.
Comment: In summary, the available evidence is currently insufficient to determine the role of this variant in disease. Therefore, it has been classified as a Variant of Uncertain Significance. Algorithms developed to predict the effect of missense changes on protein structure and function are either unavailable or do not agree on the potential impact of this missense change (SIFT: "Deleterious"; PolyPhen-2: "Probably Damaging"; Align-GVGD: "Class C0"). This variant has not been reported in the literature in individuals with SCN2A-related conditions. This variant is not present in population databases (ExAC no frequency). This sequence change replaces glutamic acid with glycine at codon 1160 of the SCN2A protein (p.Glu1160Gly). The glutamic acid residue is highly conserved and there is a moderate physicochemical difference between glutamic acid and glycine.